The following is an entry in ClinVar:

NM_000059.4(BRCA2):c.8488-1_8489delinsTCCATTACA

Gene: BRCA2 (BRCA2 DNA repair associated; plus strand). Cytogenetic location: 13q13.1.
Variant type: Indel.
Coding change: c.8488-1_8489delinsTCCATTACA on transcript NM_000059.4 (MANE Select); the canonical splice acceptor site of the intron before coding-DNA position 8488 through coding-DNA position 8489, GTG replaced by TCCATTACA.
Molecular consequence: splice acceptor variant.
Genome position (GRCh38, 1-based): chr13:32,370,955-32,370,957, GTG replaced by TCCATTACA. VCF-style: chr13-32370955-GTG-TCCATTACA. GRCh37 (hg19) VCF-style: chr13-32945092-GTG-TCCATTACA.
Identifiers: ClinVar variation 634838 (VCV000634838.2), dbSNP rs886038183, ClinGen allele CA913190914.

ClinVar aggregate classification (germline): Uncertain significance (1 of 4 stars; one submission).

Conditions:
Hereditary breast ovarian cancer syndrome. Also called: Breast and ovarian cancer; BRCA1- and BRCA2-Associated Hereditary Breast and Ovarian Cancer; Hereditary breast and ovarian cancer; Hereditary breast and ovarian cancer syndrome; Hereditary breast and ovarian cancer syndrome (HBOC); Hereditary breast and/or ovarian cancer syndrome. Identifiers: Orphanet 145, MedGen C0677776, MeSH D061325, MONDO:0003582. Disease mechanism: loss of function.

Submission:

Genomics Laboratory, Virgen de la Arrixaca University Clinical Hospital
Classification: Uncertain significance for Hereditary breast ovarian cancer syndrome. Last evaluated: 2025-11-28. Review status: criteria provided, single submitter. Criteria: ACMG Guidelines, 2015. Collection method: clinical testing. Allele origin: germline. Inheritance: Autosomal dominant inheritance. Affected: yes. Observed: 1 variant allele.
Comment: The functional assay of the variant c.8488-1_8489delinsTCCATTACA in BRCA2 (internal data) showed no damaging effect on protein function or splicing, reducing the possibility that this variant is pathogenic. This variant was classified according to the ACMG/AMP guidelines refined by the ClinGen ENIGMA BRCA2 Variant Curation Expert Panel, meeting the evidence criteria: PVS1_Supporting (“Null variant (canonical +/−1 or 2 splice site) in a gene where loss of function is a known mechanism of disease”) and PM2_ Supporting (“Absent from controls in an outbred population, from gnomAD v2.1 (non-cancer, exome only subset) and v3.1 (non-cancer)”). Based on this combination of criteria, c.8488-1_8489delinsTCCATTACA in BRCA2 is classified as variant of uncertain significance.